The following is an entry in ClinVar:

NM_000132.4(F8):c.7016G>T (p.Arg2339Met)

Gene: F8 (coagulation factor VIII; minus strand). Cytogenetic location: Xq28.
Variant type: single nucleotide variant.
Coding change: c.7016G>T on transcript NM_000132.4 (MANE Select); coding-DNA position 7016, G replaced by T.
Protein change: p.Arg2339Met; replaces arginine 2339 with methionine.
Molecular consequence: missense variant.
Genome position (GRCh38, 1-based): chrX:154,837,637, C>A on the plus strand (G>T on the coding strand, the complement: F8 is on the minus strand). VCF-style: chrX-154837637-C-A. GRCh37 (hg19) VCF-style: chrX-154065912-C-A.
Other names: c.611G>T, p.Arg204Met (NM_019863.3); short protein forms R204M, R2339M.
Identifiers: ClinVar variation 4813311 (VCV004813311.1).

ClinVar aggregate classification (germline): Likely pathogenic (1 of 4 stars; one submission).

Conditions:
Severe hemophilia A. Identifiers: Orphanet 169802, MedGen C0272322, MONDO:0015719.

Submission:

Clinical Genetics Laboratory, Skane University Hospital Lund
Classification: Likely pathogenic for Severe hemophilia A. Last evaluated: 2026-03-03. Review status: criteria provided, single submitter. Criteria: ACMG Guidelines, 2015. Collection method: clinical testing. Allele origin: germline. Inheritance: X-linked inheritance. Affected: yes.
Comment: F8 (NM_000132.4) c.7016G>T represents a nucleotide substitution in exon 26 of 26, resulting in a substitution of arginine to methionine in codon 2339, which is predicted to be deleterious. The F8 c.7016G>T variant has not been observed in males in the general population (gnomAD v4.1.0) and has not previously been reported in ClinVar. However, the variant has been identified in several individuals within a family at our laboratory, where it segregates with severe haemophilia A (2 meioses, internal data) and it has also been reported in a patient with moderate haemophilia A in the locus-specific databases EAHAD and CHAMP. Another amino acid substitution at the same position, F8 c.7015A>T (p.Arg2339Trp), has been classified by expert review as likely pathogenic (ClinVar Accession: VCV003242381.1). The F8 c.7016G>T, p.(Arg2339Met) variant has been classified as likely pathogenic using gene‑specific criteria (ClinGen Coagulation Factor Deficiency Expert Panel Specifications to the ACMG/AMP Variant Interpretation Guidelines for F8 Version 2.0.0): PS4_Moderate, PM2_Supporting, PM5_Supporting, PP1_Supporting, PP3_Supporting.